The following is an entry in ClinVar:

ClinVar aggregate classification (germline): Benign (1 of 4 stars; one submission).

Allele frequency attached by ClinVar (database versions not stated): 1000 Genomes Project 30x 0.00656; 1000 Genomes Project 0.00719; TOPMed 0.00818; gnomAD 0.00832; ESP Exome Variant Server 0.00861; ExAC 0.01013; gnomAD exomes 0.01146.
gnomAD v4.1: 17,997 of 1,614,224 alleles (1.1%); highest among the groups gnomAD compares: Middle Eastern, 2.9%; 124 homozygotes.

Submission:

CeGaT Center for Human Genetics Tuebingen
Classification: Benign. Last evaluated: 2024-07-01. Review status: criteria provided, single submitter. Criteria: CeGaT Center For Human Genetics Tuebingen Variant Classification Criteria Version 2. Collection method: clinical testing. Allele origin: germline. Affected: yes. Observed: 2 variant alleles.
Comment: TDRD6: BP4, BS1, BS2

NM_001010870.3(TDRD6):c.5623A>G (p.Asn1875Asp)

Gene: TDRD6 (tudor domain containing 6; plus strand). Cytogenetic location: 6p12.3.
Variant type: single nucleotide variant.
Coding change: c.5623A>G on transcript NM_001010870.3 (MANE Select); coding-DNA position 5623, A replaced by G.
Protein change: p.Asn1875Asp; replaces asparagine 1875 with aspartic acid.
Molecular consequence: missense variant.
Genome position (GRCh38, 1-based): chr6:46,693,751, A>G. VCF-style: chr6-46693751-A-G. GRCh37 (hg19) VCF-style: chr6-46661488-A-G.
Other names: c.5623A>G, p.Asn1875Asp (NM_001168359.2); short protein forms N1875D.
Identifiers: ClinVar variation 2656631 (VCV002656631.24), dbSNP rs41273662, ClinGen allele CA3839842.
Genomic context (GRCh38, chr6:46,693,751, plus strand): 5'-GAGTTACAGAATTCTCTGGTGGTGGATGAAGAAAAAGGGGAGCTAAGCCCGGTGCCACCG[A>G]ATGTGCCACTCTCCCAAGAGTGTGTCACAAAAGGCGCCATGGAGCTATTTACACTGCAGC-3'
Protein context (NP_001010870.1, residues 1865-1885): EKGELSPVPP[Asn1875Asp]VPLSQECVTK